The following is an entry in ClinVar:

NM_000143.4(FH):c.1128G>T (p.Gln376His)

Gene: FH (fumarate hydratase; minus strand). Cytogenetic location: 1q43.
Variant type: single nucleotide variant.
Coding change: c.1128G>T on transcript NM_000143.4 (MANE Select); coding-DNA position 1128, G replaced by T.
Protein change: p.Gln376His; replaces glutamine 376 with histidine.
Molecular consequence: missense variant.
Genome position (GRCh38, 1-based): chr1:241,502,551, C>A on the plus strand (G>T on the coding strand, the complement: FH is on the minus strand). VCF-style: chr1-241502551-C-A. GRCh37 (hg19) VCF-style: chr1-241665851-C-A.
Other names: short protein forms Q376H.
Identifiers: ClinVar variation 822230 (VCV000822230.13), dbSNP rs1467002768, ClinGen allele CA345437598.
Genomic context (GRCh38, chr1:241,502,551, plus strand): 5'-GACAGTGACAGCAACATGGTTCCCCATGACTTGGGCTGCAACCATGGTCATTGCTTCACA[C>A]TGAGTAGGGTTCACCTTGCCTTCAAGAAAACCACCAATGACAGAGTAAAGACTAAATTTA-3'
Protein context (NP_000134.2, residues 366-386): SIMPGKVNPT[Gln376His]CEAMTMVAAQ

ClinVar aggregate classification (germline): Uncertain significance. Review status: criteria provided, multiple submitters, no conflicts (2 of 4 stars). 3 submissions from 3 submitters: Uncertain significance (3). Last evaluated 2026-02-19.

Conditions:
Hereditary cancer-predisposing syndrome. Also called: Neoplastic Syndromes, Hereditary; Tumor predisposition; Hereditary Cancer Syndrome; Hereditary neoplastic syndrome. Identifiers: Orphanet 140162, MedGen C0027672, MeSH D009386, MONDO:0015356.

Allele frequency attached by ClinVar (database versions not stated): gnomAD exomes below 0.00001; gnomAD 0.00001; TOPMed 0.00001.
gnomAD v4.1: 2 of 1,613,992 alleles (0.00012%); highest among the groups gnomAD compares: African/African-American, 0.0013%; no homozygotes.

Submissions (3):

Ambry Genetics
Classification: Uncertain significance for Hereditary cancer-predisposing syndrome. Last evaluated: 2026-02-19. Review status: criteria provided, single submitter. Criteria: Ambry Variant Classification Scheme 2023. Collection method: clinical testing. Allele origin: germline.
Comment: The p.Q376H variant (also known as c.1128G>T), located in coding exon 8 of the FH gene, results from a G to T substitution at nucleotide position 1128. The glutamine at codon 376 is replaced by histidine, an amino acid with highly similar properties. This amino acid position is highly conserved in available vertebrate species. In addition, this alteration is predicted to be deleterious by in silico analysis. Based on the available evidence, the clinical significance of this variant remains unclear.

Labcorp Genetics (formerly Invitae), Labcorp
Classification: Uncertain significance. Last evaluated: 2023-03-04. Review status: criteria provided, single submitter. Criteria: Invitae Variant Classification Sherloc (09022015). Collection method: clinical testing. Allele origin: germline.
Comment: This variant is present in population databases (no rsID available, gnomAD 0.003%). This sequence change replaces glutamine, which is neutral and polar, with histidine, which is basic and polar, at codon 376 of the FH protein (p.Gln376His). This variant has not been reported in the literature in individuals affected with FH-related conditions. In summary, the available evidence is currently insufficient to determine the role of this variant in disease. Therefore, it has been classified as a Variant of Uncertain Significance. This variant disrupts the p.Gln376 amino acid residue in FH. Other variant(s) that disrupt this residue have been determined to be pathogenic (PMID: 10896297, 15221078, 16876016, 17182618, 18313410, 28747166). This suggests that this residue is clinically significant, and that variants that disrupt this residue are likely to be disease-causing. Advanced modeling of protein sequence and biophysical properties (such as structural, functional, and spatial information, amino acid conservation, physicochemical variation, residue mobility, and thermodynamic stability) performed at Invitae indicates that this missense variant is expected to disrupt FH protein function. ClinVar contains an entry for this variant (Variation ID: 822230).

Blueprint Genetics
Classification: Uncertain significance. Last evaluated: 2020-12-12. Review status: criteria provided, single submitter. Criteria: ACMG Guidelines, 2015. Collection method: clinical testing. Allele origin: germline.

Literature cited by the submitters: PubMed 10896297 (cited by Labcorp Genetics (formerly Invitae), Labcorp); PubMed 15221078 (cited by Labcorp Genetics (formerly Invitae), Labcorp); PubMed 16876016 (cited by Labcorp Genetics (formerly Invitae), Labcorp); PubMed 17182618 (cited by Labcorp Genetics (formerly Invitae), Labcorp); PubMed 18313410 (cited by Labcorp Genetics (formerly Invitae), Labcorp); PubMed 28747166 (cited by Labcorp Genetics (formerly Invitae), Labcorp).